The following is an entry in ClinVar:

ClinVar aggregate classification (germline): Uncertain significance. Review status: criteria provided, multiple submitters, no conflicts (2 of 4 stars). 2 submissions from 2 submitters: Uncertain significance (2). Last evaluated 2024-05-06.

Conditions:
Dyskeratosis congenita, autosomal dominant 3. Identifiers: MedGen C3151445, MONDO:0013522, OMIM 613990.
Revesz syndrome. Also called: EXUDATIVE RETINOPATHY WITH BONE MARROW FAILURE; DYSKERATOSIS CONGENITA, AUTOSOMAL DOMINANT 5. Identifiers: Orphanet 3088, MedGen C1327916, MONDO:0009990, OMIM 268130.
Dyskeratosis congenita. Identifiers: Orphanet 1775, MedGen C0265965, MONDO:0015780.

gnomAD v4.1: 4 of 1,614,148 alleles (0.00025%); highest among the groups gnomAD compares: South Asian, 0.0033%; no homozygotes.

Submissions (2):

Labcorp Genetics (formerly Invitae), Labcorp
Classification: Uncertain significance for Dyskeratosis congenita. Last evaluated: 2024-05-06. Review status: criteria provided, single submitter. Criteria: Invitae Variant Classification Sherloc (09022015). Collection method: clinical testing. Allele origin: germline.
Comment: This sequence change replaces glutamic acid, which is acidic and polar, with lysine, which is basic and polar, at codon 36 of the TINF2 protein (p.Glu36Lys). This variant is present in population databases (no rsID available, gnomAD 0.003%). This variant has not been reported in the literature in individuals affected with TINF2-related conditions. An algorithm developed to predict the effect of missense changes on protein structure and function (PolyPhen-2) suggests that this variant is likely to be disruptive. In summary, the available evidence is currently insufficient to determine the role of this variant in disease. Therefore, it has been classified as a Variant of Uncertain Significance.

Fulgent Genetics
Classification: Uncertain significance for Revesz syndrome; Dyskeratosis congenita, autosomal dominant 3. Last evaluated: 2024-04-16. Review status: criteria provided, single submitter. Criteria: ACMG Guidelines, 2015. Collection method: clinical testing. Allele origin: germline.

NM_001099274.3(TINF2):c.106G>A (p.Glu36Lys)

Genes: TINF2 (TERF1 interacting nuclear factor 2; minus strand), LOC130055403 (ATAC-STARR-seq lymphoblastoid active region 8199; plus strand). Cytogenetic location: 14q12.
Variant type: single nucleotide variant.
Coding change: c.106G>A on transcript NM_001099274.3 (MANE Select); coding-DNA position 106, G replaced by A.
Protein change: p.Glu36Lys; replaces glutamic acid 36 with lysine.
Molecular consequence: missense variant.
Genome position (GRCh38, 1-based): chr14:24,242,227, C>T on the plus strand (G>A on the coding strand, the complement: TINF2 is on the minus strand). VCF-style: chr14-24242227-C-T. GRCh37 (hg19) VCF-style: chr14-24711433-C-T.
Other names: c.106G>A, p.Glu36Lys (NM_001363668.2, NM_012461.3); short protein forms E36K.
Identifiers: ClinVar variation 3576546 (VCV003576546.3).